The following is an entry in ClinVar:

ClinVar aggregate classification (germline): Likely pathogenic (1 of 4 stars; one submission).

Submission:

Labcorp Genetics (formerly Invitae), Labcorp
Classification: Likely pathogenic. Last evaluated: 2025-09-09. Review status: criteria provided, single submitter. Criteria: Invitae Variant Classification Sherloc (09022015). Collection method: clinical testing. Allele origin: germline.
Comment: This sequence change affects a donor splice site in intron 9 of the ADAMTS17 gene. It is expected to disrupt RNA splicing. Variants that disrupt the donor or acceptor splice site typically lead to a loss of protein function (PMID: 16199547), and loss-of-function variants in ADAMTS17 are known to be pathogenic (PMID: 19836009, 24940034). This variant is not present in population databases (gnomAD no frequency). Disruption of this splice site has been observed in individual(s) with Weill–Marchesani syndrome (PMID: 37506754). Algorithms developed to predict the effect of sequence changes on RNA splicing suggest that this variant may disrupt the consensus splice site. In summary, the currently available evidence indicates that the variant is pathogenic, but additional data are needed to prove that conclusively. Therefore, this variant has been classified as Likely Pathogenic.

Literature cited by the submitters: PubMed 16199547; PubMed 19836009; PubMed 24940034; PubMed 37506754.

NM_139057.4(ADAMTS17):c.1322+2T>G

Gene: ADAMTS17 (ADAM metallopeptidase with thrombospondin type 1 motif 17; minus strand). Cytogenetic location: 15q26.3.
Variant type: single nucleotide variant.
Coding change: c.1322+2T>G on transcript NM_139057.4 (MANE Select); the canonical splice donor site of the intron after coding-DNA position 1322, T replaced by G.
Molecular consequence: splice donor variant.
Genome position (GRCh38, 1-based): chr15:100,155,178, A>C on the plus strand (T>G on the coding strand, the complement: ADAMTS17 is on the minus strand). VCF-style: chr15-100155178-A-C. GRCh37 (hg19) VCF-style: chr15-100695383-A-C.
Identifiers: ClinVar variation 4726840 (VCV004726840.1).